The following is an entry in ClinVar:

ClinVar aggregate classification (germline): Uncertain significance (1 of 4 stars; one submission).

Conditions:
Epilepsy, familial focal, with variable foci 2 (FFEVF2). Identifiers: MedGen C4310709, MONDO:0014924, OMIM 617116.

Submission:

Neuberg Centre For Genomic Medicine, NCGM
Classification: Uncertain significance for Epilepsy, familial focal, with variable foci 2. Last evaluated: 2023-03-01. Review status: criteria provided, single submitter. Criteria: ACMG Guidelines, 2015. Collection method: clinical testing. Allele origin: germline. Inheritance: Autosomal dominant inheritance. Affected: yes.
Comment: The missense c.2270C>T (p.Ala757Val) variant in CLCN2 gene has not been reported previously as a pathogenic variant nor as a benign variant, to our knowledge. The p.Ala757Val variant is novel (not in any individuals) in gnomAD Exomes and 1000 Genomes. This variant has not been reported to the ClinVar database. The amino acid change p.Ala757Val in CLCN2 is predicted as conserved by GERP++ and PhyloP across 100 vertebrates. The amino acid Ala at position 757 is changed to a Val changing protein sequence and it might alter its composition and physico-chemical properties. For these reasons, this variant has been classified as Variant of Uncertain Significance (VUS).

NM_004366.6(CLCN2):c.2270C>T (p.Ala757Val)

Gene: CLCN2 (chloride voltage-gated channel 2; minus strand). Cytogenetic location: 3q27.1.
Variant type: single nucleotide variant.
Coding change: c.2270C>T on transcript NM_004366.6 (MANE Select); coding-DNA position 2270, C replaced by T.
Protein change: p.Ala757Val; replaces alanine 757 with valine.
Molecular consequence: missense variant.
Genome position (GRCh38, 1-based): chr3:184,352,444, G>A on the plus strand (C>T on the coding strand, the complement: CLCN2 is on the minus strand). VCF-style: chr3-184352444-G-A. GRCh37 (hg19) VCF-style: chr3-184070232-G-A.
Other names: c.2219C>T, p.Ala740Val (NM_001171087.3); c.2138C>T, p.Ala713Val (NM_001171088.3); c.2270C>T, p.Ala757Val (NM_001171089.3); short protein forms A713V, A740V, A757V.
Identifiers: ClinVar variation 2671799 (VCV002671799.1), dbSNP rs2474235591, ClinGen allele CA355447463.